The following is an entry in ClinVar:

NM_001844.5(COL2A1):c.538G>A (p.Ala180Thr)

Gene: COL2A1 (collagen type II alpha 1 chain; minus strand). Cytogenetic location: 12q13.11.
Variant type: single nucleotide variant.
Coding change: c.538G>A on transcript NM_001844.5 (MANE Select); coding-DNA position 538, G replaced by A.
Protein change: p.Ala180Thr; replaces alanine 180 with threonine.
Molecular consequence: missense variant.
Genome position (GRCh38, 1-based): chr12:47,996,619, C>T on the plus strand (G>A on the coding strand, the complement: COL2A1 is on the minus strand). VCF-style: chr12-47996619-C-T. GRCh37 (hg19) VCF-style: chr12-48390402-C-T.
Other names: c.331G>A, p.Ala111Thr (NM_033150.3); c.538G>A (NM_001844.4); short protein forms A111T, A180T.
Identifiers: ClinVar variation 1375670 (VCV001375670.7), dbSNP rs1592234056, ClinGen allele CA384524280.

ClinVar aggregate classification (germline): Uncertain significance. Review status: criteria provided, multiple submitters, no conflicts (2 of 4 stars). 2 submissions from 2 submitters: Uncertain significance (2). Last evaluated 2025-12-30.

Conditions:
Inborn genetic diseases. Identifiers: MedGen C0950123, MeSH D030342.

Allele frequency attached by ClinVar (database versions not stated): TOPMed below 0.00001; gnomAD 0.00001.
gnomAD v4.1: 1 of 1,614,022 alleles (0.000062%); highest among the groups gnomAD compares: Non-Finnish European, 0.000085%; no homozygotes.

Submissions (2):

Ambry Genetics
Classification: Uncertain significance for Inborn genetic diseases. Last evaluated: 2025-12-30. Review status: criteria provided, single submitter. Criteria: Ambry Variant Classification Scheme 2023. Collection method: clinical testing. Allele origin: germline.

Labcorp Genetics (formerly Invitae), Labcorp
Classification: Uncertain significance. Last evaluated: 2022-07-13. Review status: criteria provided, single submitter. Criteria: Invitae Variant Classification Sherloc (09022015). Collection method: clinical testing. Allele origin: germline.
Comment: In summary, the available evidence is currently insufficient to determine the role of this variant in disease. Therefore, it has been classified as a Variant of Uncertain Significance. Advanced modeling of protein sequence and biophysical properties (such as structural, functional, and spatial information, amino acid conservation, physicochemical variation, residue mobility, and thermodynamic stability) performed at Invitae indicates that this missense variant is not expected to disrupt COL2A1 protein function. ClinVar contains an entry for this variant (Variation ID: 1375670). This variant has not been reported in the literature in individuals affected with COL2A1-related conditions. This variant is not present in population databases (gnomAD no frequency). This sequence change replaces alanine, which is neutral and non-polar, with threonine, which is neutral and polar, at codon 180 of the COL2A1 protein (p.Ala180Thr).